The following is an entry in ClinVar:

NM_001384732.1(CPLANE1):c.4928A>G (p.Glu1643Gly)

Gene: CPLANE1 (ciliogenesis and planar polarity effector complex subunit 1; minus strand). Cytogenetic location: 5p13.2.
Variant type: single nucleotide variant.
Coding change: c.4928A>G on transcript NM_001384732.1 (MANE Select); coding-DNA position 4928, A replaced by G.
Protein change: p.Glu1643Gly; replaces glutamic acid 1643 with glycine.
Molecular consequence: missense variant.
Genome position (GRCh38, 1-based): chr5:37,183,253, T>C on the plus strand (A>G on the coding strand, the complement: CPLANE1 is on the minus strand). VCF-style: chr5-37183253-T-C. GRCh37 (hg19) VCF-style: chr5-37183355-T-C.
Other names: c.4928A>G, p.Glu1643Gly (NM_023073.4); short protein forms E1643G.
Identifiers: ClinVar variation 4779448 (VCV004779448.1).

ClinVar aggregate classification (germline): Uncertain significance (1 of 4 stars; one submission).

gnomAD v4.1: 1 of 1,612,942 alleles (0.000062%); highest among the groups gnomAD compares: East Asian, 0.0022%; no homozygotes.

Submission:

Labcorp Genetics (formerly Invitae), Labcorp
Classification: Uncertain significance. Last evaluated: 2025-06-10. Review status: criteria provided, single submitter. Criteria: Invitae Variant Classification Sherloc (09022015). Collection method: clinical testing. Allele origin: germline.
Comment: This sequence change replaces glutamic acid, which is acidic and polar, with glycine, which is neutral and non-polar, at codon 1643 of the CPLANE1 protein (p.Glu1643Gly). This variant is not present in population databases (gnomAD no frequency). This variant has not been reported in the literature in individuals affected with CPLANE1-related conditions. Invitae Evidence Modeling of protein sequence and biophysical properties (such as structural, functional, and spatial information, amino acid conservation, physicochemical variation, residue mobility, and thermodynamic stability) indicates that this missense variant is not expected to disrupt CPLANE1 protein function with a negative predictive value of 95%. In summary, the available evidence is currently insufficient to determine the role of this variant in disease. Therefore, it has been classified as a Variant of Uncertain Significance.